The following is an entry in ClinVar:

NM_000215.4(JAK3):c.686C>T (p.Ala229Val)

Gene: JAK3 (Janus kinase 3; minus strand). Cytogenetic location: 19p13.11.
Variant type: single nucleotide variant.
Coding change: c.686C>T on transcript NM_000215.4 (MANE Select); coding-DNA position 686, C replaced by T.
Protein change: p.Ala229Val; replaces alanine 229 with valine.
Molecular consequence: missense variant.
Genome position (GRCh38, 1-based): chr19:17,842,491, G>A on the plus strand (C>T on the coding strand, the complement: JAK3 is on the minus strand). VCF-style: chr19-17842491-G-A. GRCh37 (hg19) VCF-style: chr19-17953300-G-A.
Other names: c.686C>T, p.Ala229Val (NM_001440439.1); short protein forms A229V.
Identifiers: ClinVar variation 4695001 (VCV004695001.3).

ClinVar aggregate classification (germline): Uncertain significance. Review status: criteria provided, multiple submitters, no conflicts (2 of 4 stars). 2 submissions from 2 submitters: Uncertain significance (2). Last evaluated 2025-12-23.

Conditions:
T-B+ severe combined immunodeficiency due to JAK3 deficiency. Also called: SCID, T CELL-NEGATIVE, B CELL-POSITIVE, NK CELL-NEGATIVE; SCID, autosomal recessive, T-negative/B-positive type. Identifiers: Orphanet 35078, MedGen C1833275, MONDO:0010938, OMIM 600802.

gnomAD v4.1: 7 of 1,599,502 alleles (0.00044%); highest among the groups gnomAD compares: African/African-American, 0.0013%; no homozygotes.

Submissions (2):

Labcorp Genetics (formerly Invitae), Labcorp
Classification: Uncertain significance for T-B+ severe combined immunodeficiency due to JAK3 deficiency. Last evaluated: 2025-12-23. Review status: criteria provided, single submitter. Criteria: Invitae Variant Classification Sherloc (09022015). Collection method: clinical testing. Allele origin: germline.
Comment: This sequence change replaces alanine, which is neutral and non-polar, with valine, which is neutral and non-polar, at codon 229 of the JAK3 protein (p.Ala229Val). The frequency data for this variant in the population databases is considered unreliable, as metrics indicate poor data quality at this position in the gnomAD database. This variant has not been reported in the literature in individuals affected with JAK3-related conditions. Invitae Evidence Modeling of protein sequence and biophysical properties (such as structural, functional, and spatial information, amino acid conservation, physicochemical variation, residue mobility, and thermodynamic stability) indicates that this missense variant is not expected to disrupt JAK3 protein function with a negative predictive value of 95%. In summary, the available evidence is currently insufficient to determine the role of this variant in disease. Therefore, it has been classified as a Variant of Uncertain Significance.

Dasa
Classification: Uncertain significance. Last evaluated: 2025-04-10. Review status: criteria provided, single submitter. Criteria: DASA Assertion Criteria. Collection method: clinical testing. Allele origin: germline.
Comment: NM_000215.4(JAK3):c.686C>T (p.Ala229Val) is a missense variant that results in the substitution of alanine with valine. This variant is rare in population databases. The currently available literature and clinical evidence are not sufficient to establish a definitive association between this variant and the reported condition. Therefore, this variant is classified as a variant of uncertain significance.